The following is an entry in ClinVar:

NM_001013838.3(CARMIL2):c.2428-3T>C

Gene: CARMIL2 (capping protein regulator and myosin 1 linker 2; plus strand). Cytogenetic location: 16q22.1.
Variant type: single nucleotide variant.
Coding change: c.2428-3T>C on transcript NM_001013838.3 (MANE Select); 3 bases into the intron before coding-DNA position 2428, T replaced by C.
Molecular consequence: intron variant.
Genome position (GRCh38, 1-based): chr16:67,651,682, T>C. VCF-style: chr16-67651682-T-C. GRCh37 (hg19) VCF-style: chr16-67685585-T-C.
Other names: c.2320-3T>C (NM_001317026.3).
Identifiers: ClinVar variation 1391050 (VCV001391050.5), dbSNP rs775047408, ClinGen allele CA8113791.

ClinVar aggregate classification (germline): Conflicting classifications of pathogenicity. Review status: criteria provided, conflicting classifications (1 of 4 stars). 2 submissions from 2 submitters: Uncertain significance (1); Likely benign (1). Last evaluated 2025-01-29.

Allele frequency attached by ClinVar (database versions not stated): TOPMed 0.00004; gnomAD exomes 0.00006 and 0.00009; gnomAD 0.00007; ExAC 0.00021.
gnomAD v4.1: 96 of 1,605,498 alleles (0.006%); highest among the groups gnomAD compares: Non-Finnish European, 0.007%; no homozygotes.

Submissions (2):

Labcorp Genetics (formerly Invitae), Labcorp
Classification: Uncertain significance. Last evaluated: 2025-01-29. Review status: criteria provided, single submitter. Criteria: Invitae Variant Classification Sherloc (09022015). Collection method: clinical testing. Allele origin: germline.
Comment: This sequence change falls in intron 24 of the CARMIL2 gene. It does not directly change the encoded amino acid sequence of the CARMIL2 protein. It affects a nucleotide within the consensus splice site. This variant is present in population databases (rs775047408, gnomAD 0.02%). This variant has not been reported in the literature in individuals affected with CARMIL2-related conditions. ClinVar contains an entry for this variant (Variation ID: 1391050). Variants that disrupt the consensus splice site are a relatively common cause of aberrant splicing (PMID: 17576681, 9536098). Algorithms developed to predict the effect of sequence changes on RNA splicing suggest that this variant is not likely to affect RNA splicing. In summary, the available evidence is currently insufficient to determine the role of this variant in disease. Therefore, it has been classified as a Variant of Uncertain Significance.

Blueprint Genetics
Classification: Likely benign. Last evaluated: 2024-04-30. Review status: criteria provided, single submitter. Criteria: ACMG Guidelines, 2015. Collection method: clinical testing. Allele origin: germline.

Literature cited by the submitters: PubMed 17576681 (cited by Labcorp Genetics (formerly Invitae), Labcorp); PubMed 9536098 (cited by Labcorp Genetics (formerly Invitae), Labcorp).